The following is an entry in ClinVar:

NM_001958.5(EEF1A2):c.1321G>A (p.Val441Met)

Gene: EEF1A2 (eukaryotic translation elongation factor 1 alpha 2; minus strand). Cytogenetic location: 20q13.33.
Variant type: single nucleotide variant.
Coding change: c.1321G>A on transcript NM_001958.5 (MANE Select); coding-DNA position 1321, G replaced by A.
Protein change: p.Val441Met; replaces valine 441 with methionine.
Molecular consequence: missense variant.
Genome position (GRCh38, 1-based): chr20:63,488,369, C>T on the plus strand (G>A on the coding strand, the complement: EEF1A2 is on the minus strand). VCF-style: chr20-63488369-C-T. GRCh37 (hg19) VCF-style: chr20-62119722-C-T.
Other names: short protein forms V441M.
Identifiers: ClinVar variation 3367260 (VCV003367260.1).

ClinVar aggregate classification (germline): Uncertain significance (1 of 4 stars; one submission).

gnomAD v4.1: 3 of 1,479,272 alleles (0.0002%); highest among the groups gnomAD compares: Non-Finnish European, 0.00009%; no homozygotes.

Submission:

GeneDx
Classification: Uncertain significance. Last evaluated: 2023-12-24. Review status: criteria provided, single submitter. Criteria: GeneDx Variant Classification Process June 2021. Collection method: clinical testing. Allele origin: germline. Affected: yes.
Comment: Has not been previously published as pathogenic or benign to our knowledge; Not observed at significant frequency in large population cohorts (gnomAD); In silico analysis supports that this missense variant does not alter protein structure/function